The following is an entry in ClinVar:

NM_004519.4(KCNQ3):c.240G>A (p.Arg80=)

Gene: KCNQ3 (potassium voltage-gated channel subfamily Q member 3; minus strand). Cytogenetic location: 8q24.22.
Variant type: single nucleotide variant.
Coding change: c.240G>A on transcript NM_004519.4 (MANE Select); coding-DNA position 240, G replaced by A.
Protein change: p.Arg80=; no amino-acid change (arginine 80 retained).
Molecular consequence: synonymous variant.
Genome position (GRCh38, 1-based): chr8:132,480,293, C>T on the plus strand (G>A on the coding strand, the complement: KCNQ3 is on the minus strand). VCF-style: chr8-132480293-C-T. GRCh37 (hg19) VCF-style: chr8-133492540-C-T.
Other names: p.R80R:AGG>AGA.
Identifiers: ClinVar variation 138053 (VCV000138053.9), dbSNP rs587781012, ClinGen allele CA291851.
Genomic context (GRCh38, chr8:132,480,293, plus strand): 5'-GTTTCTCTTGACTGGGCGGCTCAGCGGGGTCTTGGCCAGGAGCCCGATGCCCTGCGGGGT[C>T]CTCCGCTGCCCCTCGTCGCGGCCGCCGCCCTCCAGCAGCAGGGTCCCGTCTTTGTCGGCT-3'
Protein context (NP_004510.1, residues 70-90): EGGGRDEGQR[Arg80=]TPQGIGLLAK

ClinVar aggregate classification (germline): Benign/Likely benign. Review status: criteria provided, multiple submitters, no conflicts (2 of 4 stars). 2 submissions from 2 submitters: Benign (1); Likely benign (1). Last evaluated 2021-05-19.

Conditions:
Benign neonatal seizures. Also called: Benign familial neonatal seizures; Benign neonatal familial convulsions; Benign familial neonatal epilepsy; Convulsions benign familial neonatal dominant form; Autosomal dominant form of benign neonatal seizures. Identifiers: Orphanet 1949, MedGen C0220669, MONDO:0016027.

Allele frequency attached by ClinVar (database versions not stated): gnomAD 0.00001; gnomAD exomes 0.00001.
gnomAD v4.1: 4 of 1,606,642 alleles (0.00025%); highest among the groups gnomAD compares: Non-Finnish European, 0.00034%; no homozygotes.

Submissions (2):

Labcorp Genetics (formerly Invitae), Labcorp
Classification: Likely benign for Benign neonatal seizures. Last evaluated: 2021-05-19. Review status: criteria provided, single submitter. Criteria: Invitae Variant Classification Sherloc (09022015). Collection method: clinical testing. Allele origin: germline.

GeneDx
Classification: Benign. Last evaluated: 2014-05-05. Review status: criteria provided, single submitter. Criteria: GeneDx Variant Classification (06012015). Collection method: clinical testing. Allele origin: germline. Affected: yes.
Comment: This variant is considered likely benign or benign based on one or more of the following criteria: it is a conservative change, it occurs at a poorly conserved position in the protein, it is predicted to be benign by multiple in silico algorithms, and/or has population frequency not consistent with disease.